The following is an entry in ClinVar:

ClinVar aggregate classification (germline): Uncertain significance (1 of 4 stars; one submission).

Conditions:
H19-related disorder. Also called: H19-related condition.

Submission:

PreventionGenetics, part of Exact Sciences
Classification: Uncertain significance for H19-related condition. Last evaluated: 2025-09-17. Review status: criteria provided, single submitter. Criteria: ACMG Guidelines, 2015. Collection method: clinical testing. Allele origin: germline.
Comment: The H19 n.-5543G>A is a noncoding alteration. This variant resides in the 5' promoter of H19. To our knowledge, this variant has not been reported in the literature. This variant is reported in 0.0065% of alleles in individuals of European (Non-Finnish) descent in gnomAD. H19 promoter variants have been associated with Silver-Russel syndrome and Beckwith-Wiedemann syndrome (see for example, Demars et al. 2010. PubMed ID: 20007505); however, no examples occur in the immediate vicinity of this variant. At this time, the clinical significance of this variant is uncertain due to the absence of conclusive functional and genetic evidence.

NC_000011.10:g.2003378C>T

Genes: H19 (H19 imprinted maternally expressed transcript; minus strand), H19-ICR (H19/IGF2 imprinting control region; plus strand), MRPL23 (mitochondrial ribosomal protein L23; plus strand). Cytogenetic location: 11p15.5.
Variant type: single nucleotide variant.
Molecular consequence: intron variant (on NM_001400176.1).
Genome position: GRCh38 VCF-style: chr11-2003378-C-T. GRCh37 (hg19) VCF-style: chr11-2024608-C-T.
Other names: c.498-8163C>T (NM_001400176.1).
Identifiers: ClinVar variation 4984439 (VCV004984439.1).
Genomic context (GRCh38, chr11:2,003,378, plus strand): 5'-CCACTGTCCTACGTGCTATGGGAGCTGTCATCGGTGGTGTCCCTGGGATTAGGCTCCCAG[C>T]CATGCATGGGCTCCTAGACAGCCCCAGGGTTCTCCCATTGGGAAATGCCGCTCTACTACA-3'